The following is an entry in ClinVar:

ClinVar aggregate classification (germline): Uncertain significance (1 of 4 stars; one submission).

Conditions:
Hypertrophic cardiomyopathy. Also called: HYPERTROPHIC MYOCARDIOPATHY. Identifiers: Orphanet 217569, MedGen C0007194, MeSH D002312, MONDO:0005045, HP:0001639.

gnomAD v4.1: 7 of 1,611,550 alleles (0.00043%); highest among the groups gnomAD compares: Non-Finnish European, 0.00059%; no homozygotes.

Submission:

Labcorp Genetics (formerly Invitae), Labcorp
Classification: Uncertain significance for Hypertrophic cardiomyopathy. Last evaluated: 2025-04-20. Review status: criteria provided, single submitter. Criteria: Invitae Variant Classification Sherloc (09022015). Collection method: clinical testing. Allele origin: germline.
Comment: This sequence change replaces alanine, which is neutral and non-polar, with valine, which is neutral and non-polar, at codon 1017 of the MYOM1 protein (p.Ala1017Val). This variant is not present in population databases (gnomAD no frequency). This variant has not been reported in the literature in individuals affected with MYOM1-related conditions. Invitae Evidence Modeling of protein sequence and biophysical properties (such as structural, functional, and spatial information, amino acid conservation, physicochemical variation, residue mobility, and thermodynamic stability) has been performed for this missense variant. However, the output from this modeling did not meet the statistical confidence thresholds required to predict the impact of this variant on MYOM1 protein function. In summary, the available evidence is currently insufficient to determine the role of this variant in disease. Therefore, it has been classified as a Variant of Uncertain Significance.

NM_003803.4(MYOM1):c.3050C>T (p.Ala1017Val)

Gene: MYOM1 (myomesin 1; minus strand). Cytogenetic location: 18p11.31.
Variant type: single nucleotide variant.
Coding change: c.3050C>T on transcript NM_003803.4 (MANE Select); coding-DNA position 3050, C replaced by T.
Protein change: p.Ala1017Val; replaces alanine 1017 with valine.
Molecular consequence: missense variant.
Genome position (GRCh38, 1-based): chr18:3,119,937, G>A on the plus strand (C>T on the coding strand, the complement: MYOM1 is on the minus strand). VCF-style: chr18-3119937-G-A. GRCh37 (hg19) VCF-style: chr18-3119935-G-A.
Other names: c.2762C>T, p.Ala921Val (NM_019856.2); short protein forms A1017V, A921V.
Identifiers: ClinVar variation 4743244 (VCV004743244.1).